The following is an entry in ClinVar:

ClinVar aggregate classification (germline): Likely pathogenic (1 of 4 stars; one submission).

Conditions:
Dilated cardiomyopathy 1G (CMD1G). Identifiers: Orphanet 154, MedGen C1858763, MONDO:0011400, OMIM 604145.
Autosomal recessive limb-girdle muscular dystrophy type 2J (LGMDR10). Also called: Limb-girdle muscular dystrophy, type 2J; MUSCULAR DYSTROPHY, LIMB-GIRDLE, AUTOSOMAL RECESSIVE 10. Identifiers: Orphanet 140922, MedGen C1837342, MONDO:0012127, OMIM 608807.

Submission:

Labcorp Genetics (formerly Invitae), Labcorp
Classification: Likely pathogenic for Dilated cardiomyopathy 1G; Autosomal recessive limb-girdle muscular dystrophy type 2J. Last evaluated: 2024-12-05. Review status: criteria provided, single submitter. Criteria: Invitae Variant Classification Sherloc (09022015). Collection method: clinical testing. Allele origin: germline.
Comment: This sequence change creates a premature translational stop signal (p.Leu4132Phefs*36) in the TTN gene. While this is not anticipated to result in nonsense mediated decay, it is expected to create a truncated TTN protein. This variant is not present in population databases (gnomAD no frequency). This variant has not been reported in the literature in individuals affected with TTN-related conditions. This variant is located in the I band of TTN (PMID: 25589632). Truncating variants in this region have been reported in individuals affected with autosomal recessive centronuclear myopathy (PMID: 23975875, internal data). Truncating variants in this region have also been identified in individuals affected with autosomal dominant dilated cardiomyopathy and/or cardio-related conditions (PMID: 27869827, 32964742, internal data). In summary, the currently available evidence indicates that the variant is pathogenic, but additional data are needed to prove that conclusively. Therefore, this variant has been classified as Likely Pathogenic.

Literature cited by the submitters: PubMed 25589632; PubMed 23975875; PubMed 27869827; PubMed 32964742.

NM_001267550.2(TTN):c.12394del (p.Leu4132fs)

Gene: TTN (titin; minus strand). Cytogenetic location: 2q31.2.
Variant type: Deletion.
Coding change: c.12394del on transcript NM_001267550.2 (MANE Select); coding-DNA position 12394, one base deleted (C; older notation c.12394delC).
Protein change: p.Leu4132fs; shifts the reading frame from leucine 4132.
Molecular consequence: frameshift variant. On other transcripts: intron variant (1).
Genome position (GRCh38, 1-based): chr2:178,740,839, G deleted on the plus strand (C on the coding strand, the reverse complement: TTN is on the minus strand). VCF-style (leftmost placement, unchanged base first): chr2-178740838-AG-A. GRCh37 (hg19) VCF-style: chr2-179605565-AG-A.
Other names: c.11443del, p.Leu3815fs (NM_001256850.1); c.11305del, p.Leu3769fs (NM_003319.4); c.11680del, p.Leu3894fs (NM_133432.3); c.11881del, p.Leu3961fs (NM_133437.4); c.10361-2479del (NM_133378.4); short protein forms L3769fs, L3815fs, L3894fs, L3961fs, L4132fs.
Identifiers: ClinVar variation 3759981 (VCV003759981.2).